The following is an entry in ClinVar:

ClinVar aggregate classification (germline): Conflicting classifications of pathogenicity. Review status: criteria provided, conflicting classifications (1 of 4 stars). 2 submissions from 2 submitters: Uncertain significance (1); Likely benign (1). Last evaluated 2024-10-11.

Conditions:
Atransferrinemia. Also called: Familial hypotransferrinemia. Identifiers: Orphanet 1195, MedGen C0521802, MONDO:0008846, OMIM 209300, HP:0012239.

Allele frequency attached by ClinVar (database versions not stated): gnomAD exomes 0.00016 and 0.00070; ExAC 0.00018; TOPMed 0.00027; 1000 Genomes Project 0.00040; ESP Exome Variant Server 0.00054; 1000 Genomes Project 30x 0.00078.
gnomAD v4.1: 1,039 of 1,614,014 alleles (0.064%); highest among the groups gnomAD compares: Non-Finnish European, 0.086%; no homozygotes.

Submissions (2):

Blueprint Genetics
Classification: Likely benign. Last evaluated: 2024-10-11. Review status: criteria provided, single submitter. Criteria: ACMG Guidelines, 2015. Collection method: clinical testing. Allele origin: germline.

Illumina Laboratory Services, Illumina
Classification: Uncertain significance for Atransferrinemia. Last evaluated: 2017-04-28. Review status: criteria provided, single submitter. Criteria: ICSL Variant Classification Criteria 13 December 2019. Collection method: clinical testing. Allele origin: germline.
Comment: This variant was observed as part of a predisposition screen in an ostensibly healthy population. A literature search was performed for the gene, cDNA change, and amino acid change (where applicable). Publications were found based on this search. However, the evidence from the literature, in combination with allele frequency data from public databases where available, was not sufficient to rule this variant in or out of causing disease. Therefore, this variant is classified as a variant of unknown significance.

Literature cited by the submitters: PubMed 21665994 (cited by Illumina Laboratory Services, Illumina).

NM_001063.4(TF):c.165T>A (p.Ser55Arg)

Gene: TF (transferrin; plus strand). Cytogenetic location: 3q22.1.
Variant type: single nucleotide variant.
Coding change: c.165T>A on transcript NM_001063.4 (MANE Select); coding-DNA position 165, T replaced by A.
Protein change: p.Ser55Arg; replaces serine 55 with arginine.
Molecular consequence: missense variant. On other transcripts: intron variant (1).
Genome position (GRCh38, 1-based): chr3:133,748,533, T>A. VCF-style: chr3-133748533-T-A. GRCh37 (hg19) VCF-style: chr3-133467377-T-A.
Other names: c.33T>A, p.Ser11Arg (NM_001354703.2); c.-166+2050T>A (NM_001354704.2); short protein forms S11R, S55R.
Identifiers: ClinVar variation 902171 (VCV000902171.5), dbSNP rs8177318, ClinGen allele CA2624879.